The following is an entry in ClinVar:

NM_006245.4(PPP2R5D):c.164C>T (p.Ser55Phe)

Gene: PPP2R5D (protein phosphatase 2 regulatory subunit B'delta; plus strand). Cytogenetic location: 6p21.1.
Variant type: single nucleotide variant.
Coding change: c.164C>T on transcript NM_006245.4 (MANE Select); coding-DNA position 164, C replaced by T.
Protein change: p.Ser55Phe; replaces serine 55 with phenylalanine.
Molecular consequence: missense variant. On other transcripts: 5 prime UTR variant (1), intron variant (1).
Genome position (GRCh38, 1-based): chr6:43,006,521, C>T. VCF-style: chr6-43006521-C-T. GRCh37 (hg19) VCF-style: chr6-42974259-C-T.
Other names: c.-290C>T (NM_001270476.2); c.164C>T, p.Ser55Phe (NM_180976.3); c.28-413C>T (NM_180977.3); short protein forms S55F.
Identifiers: ClinVar variation 2188125 (VCV002188125.4), dbSNP rs1762090621, ClinGen allele CA364179138.

ClinVar aggregate classification (germline): Uncertain significance (1 of 4 stars; one submission).

Allele frequency attached by ClinVar (database versions not stated): TOPMed below 0.00001.

Submission:

Labcorp Genetics (formerly Invitae), Labcorp
Classification: Uncertain significance. Last evaluated: 2022-05-09. Review status: criteria provided, single submitter. Criteria: Invitae Variant Classification Sherloc (09022015). Collection method: clinical testing. Allele origin: germline.
Comment: Algorithms developed to predict the effect of missense changes on protein structure and function are either unavailable or do not agree on the potential impact of this missense change (SIFT: "Deleterious"; PolyPhen-2: "Benign"; Align-GVGD: "Class C0"). This variant has not been reported in the literature in individuals affected with PPP2R5D-related conditions. This variant is not present in population databases (gnomAD no frequency). This sequence change replaces serine, which is neutral and polar, with phenylalanine, which is neutral and non-polar, at codon 55 of the PPP2R5D protein (p.Ser55Phe). In summary, the available evidence is currently insufficient to determine the role of this variant in disease. Therefore, it has been classified as a Variant of Uncertain Significance.